The following is an entry in ClinVar:

ClinVar aggregate classification (germline): Uncertain significance. Review status: criteria provided, multiple submitters, no conflicts (2 of 4 stars). 2 submissions from 2 submitters: Uncertain significance (2). Last evaluated 2025-02-17.

Conditions:
Hereditary cancer-predisposing syndrome. Also called: Hereditary neoplastic syndrome; Tumor predisposition; Hereditary Cancer Syndrome; Neoplastic Syndromes, Hereditary. Identifiers: Orphanet 140162, MedGen C0027672, MeSH D009386, MONDO:0015356.
Neuroblastoma, susceptibility to, 3. Also called: ALK-Related Neuroblastic Tumor Susceptibility. Identifiers: Orphanet 635, MedGen C2751681, MONDO:0013083, OMIM 613014.

Allele frequency attached by ClinVar (database versions not stated): gnomAD exomes below 0.00001; TOPMed below 0.00001.
gnomAD v4.1: 2 of 1,614,130 alleles (0.00012%); highest among the groups gnomAD compares: Admixed American, 0.0017%; no homozygotes.

Submissions (2):

Labcorp Genetics (formerly Invitae), Labcorp
Classification: Uncertain significance for Neuroblastoma, susceptibility to, 3. Last evaluated: 2025-02-17. Review status: criteria provided, single submitter. Criteria: Invitae Variant Classification Sherloc (09022015). Collection method: clinical testing. Allele origin: germline.
Comment: This sequence change replaces alanine, which is neutral and non-polar, with valine, which is neutral and non-polar, at codon 624 of the ALK protein (p.Ala624Val). This variant is not present in population databases (gnomAD no frequency). This variant has not been reported in the literature in individuals affected with ALK-related conditions. ClinVar contains an entry for this variant (Variation ID: 581121). An algorithm developed to predict the effect of missense changes on protein structure and function (PolyPhen-2) suggests that this variant is likely to be disruptive. In summary, the available evidence is currently insufficient to determine the role of this variant in disease. Therefore, it has been classified as a Variant of Uncertain Significance.

Ambry Genetics
Classification: Uncertain significance for Hereditary cancer-predisposing syndrome. Last evaluated: 2024-05-04. Review status: criteria provided, single submitter. Criteria: Ambry Variant Classification Scheme 2023. Collection method: clinical testing. Allele origin: germline.
Comment: The p.A624V variant (also known as c.1871C>T), located in coding exon 10 of the ALK gene, results from a C to T substitution at nucleotide position 1871. The alanine at codon 624 is replaced by valine, an amino acid with similar properties. This amino acid position is conserved. In addition, this alteration is predicted to be tolerated by in silico analysis. Since supporting evidence is limited at this time, the clinical significance of this alteration remains unclear.

NM_004304.5(ALK):c.1871C>T (p.Ala624Val)

Gene: ALK (ALK receptor tyrosine kinase; minus strand). Cytogenetic location: 2p23.2.
Variant type: single nucleotide variant.
Coding change: c.1871C>T on transcript NM_004304.5 (MANE Select); coding-DNA position 1871, C replaced by T.
Protein change: p.Ala624Val; replaces alanine 624 with valine.
Molecular consequence: missense variant.
Genome position (GRCh38, 1-based): chr2:29,275,443, G>A on the plus strand (C>T on the coding strand, the complement: ALK is on the minus strand). VCF-style: chr2-29275443-G-A. GRCh37 (hg19) VCF-style: chr2-29498309-G-A.
Other names: short protein forms A624V.
Identifiers: ClinVar variation 581121 (VCV000581121.14), dbSNP rs906659904, ClinGen allele CA44665684.